The following is an entry in ClinVar:

NM_015466.4(PTPN23):c.842A>G (p.Asn281Ser)

Gene: PTPN23 (protein tyrosine phosphatase non-receptor type 23; plus strand). Cytogenetic location: 3p21.31.
Variant type: single nucleotide variant.
Coding change: c.842A>G on transcript NM_015466.4 (MANE Select); coding-DNA position 842, A replaced by G.
Protein change: p.Asn281Ser; replaces asparagine 281 with serine.
Molecular consequence: missense variant.
Genome position (GRCh38, 1-based): chr3:47,407,164, A>G. VCF-style: chr3-47407164-A-G. GRCh37 (hg19) VCF-style: chr3-47448654-A-G.
Other names: c.464A>G, p.Asn155Ser (NM_001304482.2); short protein forms N281S, N155S.
Identifiers: ClinVar variation 2163755 (VCV002163755.1), dbSNP rs776155627, ClinGen allele CA2365511.

ClinVar aggregate classification (germline): Uncertain significance (1 of 4 stars; one submission).

Allele frequency attached by ClinVar (database versions not stated): gnomAD 0.00001; gnomAD exomes 0.00001; ExAC 0.00002; TOPMed 0.00003.
gnomAD v4.1: 18 of 1,613,960 alleles (0.0011%); highest among the groups gnomAD compares: East Asian, 0.0089%; no homozygotes.

Submission:

Labcorp Genetics (formerly Invitae), Labcorp
Classification: Uncertain significance. Last evaluated: 2022-06-03. Review status: criteria provided, single submitter. Criteria: Invitae Variant Classification Sherloc (09022015). Collection method: clinical testing. Allele origin: germline.
Comment: This sequence change replaces asparagine, which is neutral and polar, with serine, which is neutral and polar, at codon 281 of the PTPN23 protein (p.Asn281Ser). The frequency data for this variant in the population databases is considered unreliable, as metrics indicate poor data quality at this position in the gnomAD database. This variant has not been reported in the literature in individuals affected with PTPN23-related conditions. Algorithms developed to predict the effect of missense changes on protein structure and function output the following: SIFT: "Tolerated"; PolyPhen-2: "Not Available"; Align-GVGD: "Class C0". The serine amino acid residue is found in multiple mammalian species, which suggests that this missense change does not adversely affect protein function. In summary, the available evidence is currently insufficient to determine the role of this variant in disease. Therefore, it has been classified as a Variant of Uncertain Significance.